The following is an entry in ClinVar:

NM_016203.4(PRKAG2):c.187-292G>A

Gene: PRKAG2 (protein kinase AMP-activated non-catalytic subunit gamma 2; minus strand). Cytogenetic location: 7q36.1.
Variant type: single nucleotide variant.
Coding change: c.187-292G>A on transcript NM_016203.4 (MANE Select); 292 bases into the intron before coding-DNA position 187, G replaced by A.
Molecular consequence: intron variant.
Genome position (GRCh38, 1-based): chr7:151,781,723, C>T on the plus strand (G>A on the coding strand, the complement: PRKAG2 is on the minus strand). VCF-style: chr7-151781723-C-T. GRCh37 (hg19) VCF-style: chr7-151478809-C-T.
Other names: c.55-292G>A (NM_001040633.2).
Identifiers: ClinVar variation 683713 (VCV000683713.1), dbSNP rs12375163, ClinGen allele CA12525761.

ClinVar aggregate classification (germline): Benign (1 of 4 stars; one submission).

Allele frequency attached by ClinVar (database versions not stated): 1000 Genomes Project 30x 0.11633; 1000 Genomes Project 0.11841; gnomAD 0.12644 and 0.12803; TOPMed 0.12945.
gnomAD v4.1: 19,599 of 152,160 alleles (13%); highest among the groups gnomAD compares: Admixed American, 21%; 1,562 homozygotes.

Submission:

GeneDx
Classification: Benign. Last evaluated: 2018-06-14. Review status: criteria provided, single submitter. Criteria: GeneDx Variant Classification (06012015). Collection method: clinical testing. Allele origin: germline. Affected: yes.
Comment: This variant is considered likely benign or benign based on one or more of the following criteria: it is a conservative change, it occurs at a poorly conserved position in the protein, it is predicted to be benign by multiple in silico algorithms, and/or has population frequency not consistent with disease.